The following is an entry in ClinVar:

NM_001367624.2(ZNF469):c.8599G>T (p.Gly2867Cys)

Gene: ZNF469 (zinc finger protein 469; plus strand). Cytogenetic location: 16q24.2.
Variant type: single nucleotide variant.
Coding change: c.8599G>T on transcript NM_001367624.2 (MANE Select); coding-DNA position 8599, G replaced by T.
Protein change: p.Gly2867Cys; replaces glycine 2867 with cysteine.
Molecular consequence: missense variant.
Genome position (GRCh38, 1-based): chr16:88,436,069, G>T. VCF-style: chr16-88436069-G-T. GRCh37 (hg19) VCF-style: chr16-88502477-G-T.
Other names: NM_001127464.1:c.8515G>T; short protein forms G2867C.
Identifiers: ClinVar variation 2449488 (VCV002449488.2), dbSNP rs745468033, ClinGen allele CA286384287.

ClinVar aggregate classification (germline): Uncertain significance (1 of 4 stars; one submission).

Conditions:
Cardiovascular phenotype. Identifiers: MedGen CN230736.

gnomAD v4.1: 3 of 1,549,990 alleles (0.00019%); highest among the groups gnomAD compares: African/African-American, 0.0027%; no homozygotes.

Submission:

Ambry Genetics
Classification: Uncertain significance for Cardiovascular phenotype. Last evaluated: 2023-01-20. Review status: criteria provided, single submitter. Criteria: Ambry Variant Classification Scheme 2023. Collection method: clinical testing. Allele origin: germline.
Comment: The p.G2839C variant (also known as c.8515G>T), located in coding exon 2 of the ZNF469 gene, results from a G to T substitution at nucleotide position 8515. The glycine at codon 2839 is replaced by cysteine, an amino acid with highly dissimilar properties. This amino acid position is conserved. In addition, this alteration is predicted to be tolerated by in silico analysis. Since supporting evidence is limited at this time, the clinical significance of this alteration remains unclear.